The following is an entry in ClinVar:

NM_006129.5(BMP1):c.1841dup (p.Asn614fs)

Gene: BMP1 (bone morphogenetic protein 1; plus strand). Cytogenetic location: 8p21.3.
Variant type: Duplication.
Coding change: c.1841dup on transcript NM_006129.5 (MANE Select); coding-DNA position 1841, one base duplicated (A; older notation c.1841dupA).
Protein change: p.Asn614fs; shifts the reading frame from asparagine 614.
Molecular consequence: frameshift variant. On other transcripts: non-coding transcript variant (2).
Genome position (GRCh38, 1-based): chr8:22,196,755, A duplicated; the last of 2 consecutive A bases (chr8:22,196,754-22,196,755); duplicating either gives the same sequence. VCF-style (leftmost placement, unchanged base first): chr8-22196753-C-CA. GRCh37 (hg19) VCF-style: chr8-22054266-C-CA.
Other names: c.1841dup, p.Asn614fs (NM_001199.4); short protein forms N614fs.
Identifiers: ClinVar variation 2763843 (VCV002763843.3), dbSNP rs2539016251, ClinGen allele CA2697549768.

ClinVar aggregate classification (germline): Pathogenic (1 of 4 stars; one submission).

Submission:

Labcorp Genetics (formerly Invitae), Labcorp
Classification: Pathogenic. Last evaluated: 2023-09-27. Review status: criteria provided, single submitter. Criteria: Invitae Variant Classification Sherloc (09022015). Collection method: clinical testing. Allele origin: germline.
Comment: This sequence change creates a premature translational stop signal (p.Asn614Lysfs*21) in the BMP1 gene. It is expected to result in an absent or disrupted protein product. Loss-of-function variants in BMP1 are known to be pathogenic (PMID: 25656619, 27576954, 28257626). This variant is not present in population databases (gnomAD no frequency). This variant has not been reported in the literature in individuals affected with BMP1-related conditions. For these reasons, this variant has been classified as Pathogenic.

Literature cited by the submitters: PubMed 25656619; PubMed 27576954; PubMed 28257626.